The following is an entry in ClinVar:

ClinVar aggregate classification (germline): Uncertain significance (1 of 4 stars; one submission).

Conditions:
Mitochondrial hypertrophic cardiomyopathy with lactic acidosis due to MTO1 deficiency. Also called: CARDIOMYOPATHY, INFANTILE HYPERTROPHIC MITOCHONDRIAL, AND LACTIC ACIDOSIS; Combined oxidative phosphorylation deficiency 10. Identifiers: Orphanet 314637, MedGen C4749921, MONDO:0013865, OMIM 614702.

Submission:

Clinical Genomics Laboratory, Stanford Medicine
Classification: Uncertain significance for Mitochondrial hypertrophic cardiomyopathy with lactic acidosis due to MTO1 deficiency. Last evaluated: 2023-06-14. Review status: criteria provided, single submitter. Criteria: ACMG Guidelines, 2015. Collection method: clinical testing. Allele origin: germline. Observed: 1 variant allele, 1 heterozygote.
Comment: The p.Tyr490Cys variant in the MTO1 gene has not been previously reported in association with disease. This variant has been identified in 3/18128 East Asian chromosomes (3/248544 chromosomes overall) by the Genome Aggregation Database. Computational tools predict that this variant is neither deleterious nor benign; however, the accuracy of in silico algorithms is limited. These data were assessed using the ACMG/AMP variant interpretation guidelines. In summary, the significance of the p.Tyr490Cys variant is uncertain. Additional information is needed to resolve the significance of this variant. [ACMG evidence codes used: PM2]_x000D_

NM_012123.4(MTO1):c.1469A>G (p.Tyr490Cys)

Gene: MTO1 (mitochondrial tRNA translation optimization 1; plus strand). Cytogenetic location: 6q13.
Variant type: single nucleotide variant.
Coding change: c.1469A>G on transcript NM_012123.4 (MANE Select); coding-DNA position 1469, A replaced by G.
Protein change: p.Tyr490Cys; replaces tyrosine 490 with cysteine.
Molecular consequence: missense variant.
Genome position (GRCh38, 1-based): chr6:73,482,452, A>G. VCF-style: chr6-73482452-A-G. GRCh37 (hg19) VCF-style: chr6-74192175-A-G.
Other names: c.1589A>G, p.Tyr530Cys (NM_001123226.2); c.1544A>G, p.Tyr515Cys (NM_133645.3); short protein forms Y490C, Y515C, Y530C.
Identifiers: ClinVar variation 4852806 (VCV004852806.1).
Genomic context (GRCh38, chr6:73,482,452, plus strand): 5'-AAAAAATTTGCTTTAAAAACCACACTTCTCATTATATTCTCTTTCTCCCTTCCCTAGGGT[A>G]TAAAGACGCTGGCTGTGTGTCCCAACAACGATATGAAAGAGCTTGTTGGATGAAGTCTTC-3'
Protein context (NP_036255.2, residues 480-500): NADSRLTLRG[Tyr490Cys]KDAGCVSQQR